The following is an entry in ClinVar:

NM_001370658.1(BTD):c.496T>G (p.Cys166Gly)

Gene: BTD (biotinidase; plus strand). Cytogenetic location: 3p25.1.
Variant type: single nucleotide variant.
Coding change: c.496T>G on transcript NM_001370658.1 (MANE Select); coding-DNA position 496, T replaced by G.
Protein change: p.Cys166Gly; replaces cysteine 166 with glycine.
Molecular consequence: missense variant. On other transcripts: intron variant (1).
Genome position (GRCh38, 1-based): chr3:15,644,412, T>G. VCF-style: chr3-15644412-T-G. GRCh37 (hg19) VCF-style: chr3-15685919-T-G.
Other names: c.556T>G, p.Cys186Gly (NM_000060.4); c.496T>G, p.Cys166Gly (NM_001281723.4, NM_001281724.3, NM_001281725.3 and 18 more transcripts); c.399+2355T>G (NM_001370753.1); short protein forms C166G, C186G.
Identifiers: ClinVar variation 801945 (VCV000801945.7), dbSNP rs955385869, ClinGen allele CA70621546.

ClinVar aggregate classification (germline): Likely pathogenic. Review status: criteria provided, multiple submitters, no conflicts (2 of 4 stars). 2 submissions from 2 submitters: Likely pathogenic (2). Last evaluated 2023-05-08.

Conditions:
Biotinidase deficiency. Also called: BTD deficiency; Late-onset biotin-responsive multiple carboxylase deficiency; Biotin deficiency. Identifiers: Orphanet 79241, MedGen C0220754, MONDO:0009665, OMIM 253260.

Submissions (2):

Labcorp Genetics (formerly Invitae), Labcorp
Classification: Likely pathogenic for Biotinidase deficiency. Last evaluated: 2023-05-08. Review status: criteria provided, single submitter. Criteria: Invitae Variant Classification Sherloc (09022015). Collection method: clinical testing. Allele origin: germline.
Comment: This sequence change replaces cysteine, which is neutral and slightly polar, with glycine, which is neutral and non-polar, at codon 186 of the BTD protein (p.Cys186Gly). This variant is not present in population databases (gnomAD no frequency). This variant has not been reported in the literature in individuals affected with BTD-related conditions. ClinVar contains an entry for this variant (Variation ID: 801945). Advanced modeling of protein sequence and biophysical properties (such as structural, functional, and spatial information, amino acid conservation, physicochemical variation, residue mobility, and thermodynamic stability) performed at Invitae indicates that this missense variant is expected to disrupt BTD protein function. This variant disrupts the p.Cys186 amino acid residue in BTD. Other variant(s) that disrupt this residue have been determined to be pathogenic (PMID: 10801053, 22011816, 23644139, 25754625). This suggests that this residue is clinically significant, and that variants that disrupt this residue are likely to be disease-causing. In summary, the currently available evidence indicates that the variant is pathogenic, but additional data are needed to prove that conclusively. Therefore, this variant has been classified as Likely Pathogenic.

Mendelics
Classification: Likely pathogenic for Biotinidase deficiency. Last evaluated: 2019-05-28. Review status: criteria provided, single submitter. Criteria: Mendelics Assertion Criteria 2017. Collection method: clinical testing. Allele origin: unknown.

Literature cited by the submitters: PubMed 10801053 (cited by Labcorp Genetics (formerly Invitae), Labcorp); PubMed 22011816 (cited by Labcorp Genetics (formerly Invitae), Labcorp); PubMed 23644139 (cited by Labcorp Genetics (formerly Invitae), Labcorp); PubMed 25754625 (cited by Labcorp Genetics (formerly Invitae), Labcorp).